The following is an entry in ClinVar:

NM_005006.7(NDUFS1):c.154-19T>C

Gene: NDUFS1 (NADH:ubiquinone oxidoreductase core subunit S1; minus strand). Cytogenetic location: 2q33.3.
Variant type: single nucleotide variant.
Coding change: c.154-19T>C on transcript NM_005006.7 (MANE Select); 19 bases into the intron before coding-DNA position 154, T replaced by C.
Molecular consequence: intron variant.
Genome position (GRCh38, 1-based): chr2:206,149,944, A>G on the plus strand (T>C on the coding strand, the complement: NDUFS1 is on the minus strand). VCF-style: chr2-206149944-A-G. GRCh37 (hg19) VCF-style: chr2-207014668-A-G.
Other names: c.6-2110T>C (NM_001199982.2); c.-18-19T>C (NM_001199983.2); c.154-848T>C (NM_001199981.2); c.196-19T>C (NM_001199984.2).
Identifiers: ClinVar variation 382375 (VCV000382375.1), dbSNP rs757724566, ClinGen allele CA2070874.

ClinVar aggregate classification (germline): Likely benign (1 of 4 stars; one submission).

Allele frequency attached by ClinVar (database versions not stated): TOPMed 0.00004 and 0.00006; ExAC 0.00019; gnomAD exomes 0.00028.
gnomAD v4.1: 355 of 1,494,150 alleles (0.024%); highest among the groups gnomAD compares: Non-Finnish European, 0.027%; 1 homozygote.

Submission:

GeneDx
Classification: Likely benign. Last evaluated: 2016-02-03. Review status: criteria provided, single submitter. Criteria: GeneDx Variant Classification (06012015). Collection method: clinical testing. Allele origin: germline. Affected: yes.
Comment: This variant is considered likely benign or benign based on one or more of the following criteria: it is a conservative change, it occurs at a poorly conserved position in the protein, it is predicted to be benign by multiple in silico algorithms, and/or has population frequency not consistent with disease.